The following is an entry in ClinVar:

ClinVar aggregate classification (germline): Likely pathogenic (1 of 4 stars; one submission).

Conditions:
Platelet-type bleeding disorder 10. Also called: CD36 DEFICIENCY. Identifiers: MedGen C1842090, MONDO:0012031, OMIM 608404.

Allele frequency attached by ClinVar (database versions not stated): TOPMed below 0.00001; ExAC 0.00002.

Submission:

Neuberg Centre For Genomic Medicine, NCGM
Classification: Likely pathogenic for Platelet-type bleeding disorder 10. Review status: criteria provided, single submitter. Criteria: ACMG Guidelines, 2015. Collection method: clinical testing. Allele origin: germline. Affected: yes.
Comment: The stop gained p.S324* in CD36 (NM_001001547.3) has not been reported previously as a pathogenic variant nor as a benign variant, to our knowledge. The p.S324* variant is observed in 5/30,600 (0.0163%) alleles from individuals of South Asian background in gnomAD Exomes and is novel (not in any individuals) in 1000 Genomes. This variant is predicted to cause loss of normal protein function through protein truncation. For these reasons, this variant has been classified as Likely Pathogenic.

NM_001001548.3(CD36):c.971C>G (p.Ser324Ter)

Gene: CD36 (CD36 molecule (CD36 blood group); plus strand). Cytogenetic location: 7q21.11.
Variant type: single nucleotide variant.
Coding change: c.971C>G on transcript NM_001001548.3 (MANE Select); coding-DNA position 971, C replaced by G.
Protein change: p.Ser324Ter; replaces serine 324 with a stop codon.
Molecular consequence: nonsense.
Genome position (GRCh38, 1-based): chr7:80,671,129, C>G. VCF-style: chr7-80671129-C-G. GRCh37 (hg19) VCF-style: chr7-80300445-C-G.
Other names: c.971C>G, p.Ser324Ter (NM_000072.3, NM_001001547.3, NM_001127443.2 and 5 more transcripts); c.854C>G, p.Ser285Ter (NM_001289908.1); c.791C>G, p.Ser264Ter (NM_001289909.1); c.743C>G, p.Ser248Ter (NM_001289911.2); c.869C>G, p.Ser290Ter (NM_001371079.1); c.506C>G, p.Ser169Ter (NM_001371080.1, NM_001371081.1); short protein forms S169*, S248*, S264*, S285*, S290*, S324*.
Identifiers: ClinVar variation 1339012 (VCV001339012.2), dbSNP rs751804837, ClinGen allele CA4315505.